The following is an entry in ClinVar:

ClinVar aggregate classification (germline): Uncertain significance (1 of 4 stars; one submission).

Conditions:
Cardiovascular phenotype. Identifiers: MedGen CN230736.

Submission:

Ambry Genetics
Classification: Uncertain significance for Cardiovascular phenotype. Last evaluated: 2026-08-10. Review status: criteria provided, single submitter. Criteria: Ambry Variant Classification Scheme 2023. Collection method: clinical testing. Allele origin: germline.
Comment: The p.K91N variant (also known as c.273G>C), located in coding exon 3 of the TAZ gene, results from a G to C substitution at nucleotide position 273. The lysine at codon 91 is replaced by asparagine, an amino acid with similar properties. This amino acid position is conserved. In addition, this alteration is predicted to be tolerated by in silico analysis. Based on the available evidence, the clinical significance of this variant remains unclear.

NM_000116.5(TAFAZZIN):c.273G>C (p.Lys91Asn)

Gene: TAFAZZIN (tafazzin, phospholipid-lysophospholipid transacylase; plus strand). Cytogenetic location: Xq28.
Variant type: single nucleotide variant.
Coding change: c.273G>C on transcript NM_000116.5 (MANE Select); coding-DNA position 273, G replaced by C.
Protein change: p.Lys91Asn; replaces lysine 91 with asparagine.
Molecular consequence: missense variant. On other transcripts: non-coding transcript variant (1).
Genome position (GRCh38, 1-based): chrX:154,413,241, G>C. VCF-style: chrX-154413241-G-C. GRCh37 (hg19) VCF-style: chrX-153641578-G-C.
Other names: c.327G>C, p.Lys109Asn (NM_001303465.2, NM_001410698.1, NM_001440856.1 and 1 more transcripts); c.273G>C, p.Lys91Asn (NM_001440858.1, NM_181311.4, NM_181312.4 and 1 more transcripts); short protein forms K91N, K109N.
Identifiers: ClinVar variation 5030495 (VCV005030495.1).